The following is an entry in ClinVar:

ClinVar aggregate classification (germline): Uncertain significance (1 of 4 stars; one submission).

Submission:

Labcorp Genetics (formerly Invitae), Labcorp
Classification: Uncertain significance. Last evaluated: 2022-12-06. Review status: criteria provided, single submitter. Criteria: Invitae Variant Classification Sherloc (09022015). Collection method: clinical testing. Allele origin: germline.
Comment: Variants that disrupt the consensus splice site are a relatively common cause of aberrant splicing (PMID: 17576681, 9536098). Algorithms developed to predict the effect of sequence changes on RNA splicing suggest that this variant is not likely to affect RNA splicing. In summary, the available evidence is currently insufficient to determine the role of this variant in disease. Therefore, it has been classified as a Variant of Uncertain Significance. This variant has not been reported in the literature in individuals affected with KIF11-related conditions. This variant is not present in population databases (gnomAD no frequency). This sequence change falls in intron 11 of the KIF11 gene. It does not directly change the encoded amino acid sequence of the KIF11 protein. It affects a nucleotide within the consensus splice site.

Literature cited by the submitters: PubMed 17576681; PubMed 9536098.

NM_004523.4(KIF11):c.1305+3A>G

Gene: KIF11 (kinesin family member 11; plus strand). Cytogenetic location: 10q23.33.
Variant type: single nucleotide variant.
Coding change: c.1305+3A>G on transcript NM_004523.4 (MANE Select); 3 bases into the intron after coding-DNA position 1305, A replaced by G.
Molecular consequence: intron variant.
Genome position (GRCh38, 1-based): chr10:92,628,898, A>G. VCF-style: chr10-92628898-A-G. GRCh37 (hg19) VCF-style: chr10-94388655-A-G.
Identifiers: ClinVar variation 2818920 (VCV002818920.3), dbSNP rs2492512726, ClinGen allele CA2610167955.